The following is an entry in ClinVar:

NM_017950.4(CCDC40):c.2111_2112del (p.Lys704fs)

Gene: CCDC40 (coiled-coil domain 40 molecular ruler complex subunit; plus strand). Cytogenetic location: 17q25.3.
Variant type: Deletion.
Coding change: c.2111_2112del on transcript NM_017950.4 (MANE Select); coding-DNA positions 2111 to 2112, 2 bases deleted (AA; older notation c.2111_2112delAA).
Protein change: p.Lys704fs; shifts the reading frame from lysine 704.
Molecular consequence: frameshift variant.
Genome position (GRCh38, 1-based): chr17:80,084,864-80,084,865, AA deleted; deleting any 2 consecutive bases within chr17:80,084,863-80,084,865 gives the same sequence; the c. name uses the placement nearest the transcript's 3' end. VCF-style (leftmost placement, unchanged base first): chr17-80084862-GAA-G. GRCh37 (hg19) VCF-style: chr17-78058661-GAA-G.
Other names: NP_060420.2:p.(Lys704SerfsTer51); c.2111_2112del, p.Lys704fs (NM_001243342.2); short protein forms K704fs.
Identifiers: ClinVar variation 5010291 (VCV005010291.1).

ClinVar aggregate classification (germline): Likely pathogenic (1 of 4 stars; one submission).

Conditions:
Primary ciliary dyskinesia 15. Also called: CILIARY DYSKINESIA, PRIMARY, 15, WITH OR WITHOUT SITUS INVERSUS. Identifiers: Orphanet 244, MedGen C3151137, MONDO:0013435, OMIM 613808.

Submission:

Laboratorio de Genomica, Unidad de Medicina Traslacional, Hospital de Ninos R. Gutierrez
Classification: Likely pathogenic for Primary ciliary dyskinesia 15. Last evaluated: 2026-09-02. Review status: criteria provided, single submitter. Criteria: Institutional Variant Interpretation Framework ClinVar UMT Version 1. Collection method: clinical testing. Allele origin: maternal, germline. Affected: yes. Observed: 2 variant alleles.
Comment: The variant NM_017950.4:c.2111_2112del, is a 2-base deletion in exon 13 of the gene, . This variant is predicted to cause a frameshift, resulting in the replacement of Lysine at position 704 of the protein by a Serine and the generation of a premature stop codon 51 codons downstream, NP_060420.2:p.(Lys704SerfsTer51). The messenger RNA is predicted to be degraded through a mechanism known as Nonsense Mediated Decay (NMD), such that no protein expression would occur (PVS1). This variant has not been previously reported in the literature or in the GenomAD v4.1.0 database (PM2_supp).The variant was found in trans with variant NM_017950.4:c.3307C>T,NP_060420.2:p.(Arg1103Ter). The variant is classified as Likely Pathogenic.